The following is an entry in ClinVar:

NM_001386140.1(MTTP):c.2329C>T (p.Arg777Ter)

Gene: MTTP (microsomal triglyceride transfer protein; plus strand). Cytogenetic location: 4q23.
Variant type: single nucleotide variant.
Coding change: c.2329C>T on transcript NM_001386140.1 (MANE Select); coding-DNA position 2329, C replaced by T.
Protein change: p.Arg777Ter; replaces arginine 777 with a stop codon.
Molecular consequence: nonsense.
Genome position (GRCh38, 1-based): chr4:99,619,085, C>T. VCF-style: chr4-99619085-C-T. GRCh37 (hg19) VCF-style: chr4-100540242-C-T.
Other names: c.2329C>T, p.Arg777Ter (NM_000253.4); c.2080C>T, p.Arg694Ter (NM_001300785.2); short protein forms R777*, R694*.
Identifiers: ClinVar variation 956573 (VCV000956573.10), dbSNP rs777548973, ClinGen allele CA357518531.

ClinVar aggregate classification (germline): Pathogenic/Likely pathogenic. Review status: criteria provided, multiple submitters, no conflicts (2 of 4 stars). 3 submissions from 3 submitters: Pathogenic (1); Likely pathogenic (2). Last evaluated 2024-11-22.

Conditions:
Abetalipoproteinaemia (ABL). Also called: Abetalipoproteinemia; MTP DEFICIENCY; Abetalipoproteinemia neuropathy; Apolipoprotein B deficiency; Congenital betalipoprotein deficiency syndrome. Identifiers: Orphanet 14, MedGen C0000744, MONDO:0008692, OMIM 200100, HP:0008181.

Allele frequency attached by ClinVar (database versions not stated): gnomAD 0.00001.
gnomAD v4.1: 6 of 1,613,002 alleles (0.00037%); highest among the groups gnomAD compares: Admixed American, 0.0033%; no homozygotes.

Submissions (3):

Labcorp Genetics (formerly Invitae), Labcorp
Classification: Pathogenic. Last evaluated: 2024-11-22. Review status: criteria provided, single submitter. Criteria: Invitae Variant Classification Sherloc (09022015). Collection method: clinical testing. Allele origin: germline.
Comment: This sequence change creates a premature translational stop signal (p.Arg777*) in the MTTP gene. It is expected to result in an absent or disrupted protein product. Loss-of-function variants in MTTP are known to be pathogenic (PMID: 8533758, 9671739). This variant is not present in population databases (gnomAD no frequency). This variant has not been reported in the literature in individuals affected with MTTP-related conditions. ClinVar contains an entry for this variant (Variation ID: 956573). For these reasons, this variant has been classified as Pathogenic.

Natera, Inc.
Classification: Likely pathogenic for Abetalipoproteinemia. Last evaluated: 2024-07-02. Review status: criteria provided, single submitter. Criteria: Natera Variant Classification Schema (03/2026). Collection method: clinical testing. Allele origin: germline.
Comment: The c.2329C>T variant in MTTP is a nonsense variant predicted to introduce a stop codon at amino acid 777. This variant is expected to result in nonsense mediated decay, truncation, or a dysfunctional protein product. This variant is rare in the general population with a frequency below the threshold expected for the associated phenotype(s). Given the available evidence, this variant is classified as Likely Pathogenic.

Revvity Omics, Revvity
Classification: Likely pathogenic for Abetalipoproteinaemia. Last evaluated: 2022-02-02. Review status: criteria provided, single submitter. Criteria: ACMG Guidelines, 2015. Collection method: clinical testing. Allele origin: germline.

Literature cited by the submitters: PubMed 8533758 (cited by Labcorp Genetics (formerly Invitae), Labcorp); PubMed 9671739 (cited by Labcorp Genetics (formerly Invitae), Labcorp).